The following is an entry in ClinVar:

NM_001015877.2(PHF6):c.927C>T (p.Asp309=)

Gene: PHF6 (PHD finger protein 6; plus strand). Cytogenetic location: Xq26.2.
Variant type: single nucleotide variant.
Coding change: c.927C>T on transcript NM_001015877.2 (MANE Select); coding-DNA position 927, C replaced by T.
Protein change: p.Asp309=; no amino-acid change (aspartic acid 309 retained).
Molecular consequence: synonymous variant.
Genome position (GRCh38, 1-based): chrX:134,417,261, C>T. VCF-style: chrX-134417261-C-T. GRCh37 (hg19) VCF-style: chrX-133551291-C-T.
Other names: c.927C>T, p.Asp309= (NM_032458.3).
Identifiers: ClinVar variation 129887 (VCV000129887.27), dbSNP rs112199174, ClinGen allele CA231375.

ClinVar aggregate classification (germline): Conflicting classifications of pathogenicity. Review status: criteria provided, conflicting classifications (1 of 4 stars). 7 submissions from 7 submitters: Uncertain significance (1); Benign (4); Likely benign (1). 1 of the submissions does not count toward it. Last evaluated 2026-02-03.

Conditions:
PHF6-related disorder. Also called: PHF6-related condition.
Inborn genetic diseases. Identifiers: MedGen C0950123, MeSH D030342.
Borjeson-Forssman-Lehmann syndrome (BFLS). Also called: MENTAL RETARDATION, X-LINKED, SYNDROMIC, BORJESON-FORSSMAN-LEHMANN TYPE; MENTAL RETARDATION, EPILEPSY, AND ENDOCRINE DISORDERS; BORJESON SYNDROME. Identifiers: Orphanet 127, MedGen C0265339, MONDO:0010537, OMIM 301900.

Allele frequency attached by ClinVar (database versions not stated): gnomAD exomes 0.00076 and 0.00224; ExAC 0.00269; 1000 Genomes Project 30x 0.00562; 1000 Genomes Project 0.00583; gnomAD 0.00753 and 0.00809; TOPMed 0.00882; ESP Exome Variant Server 0.01164.
gnomAD v4.1: 1,765 of 1,208,241 alleles (0.15%); highest among the groups gnomAD compares: African/African-American, 2.6%; 14 homozygotes.

Submissions (7):

Labcorp Genetics (formerly Invitae), Labcorp
Classification: Benign for Borjeson-Forssman-Lehmann syndrome. Last evaluated: 2026-02-03. Review status: criteria provided, single submitter. Criteria: Invitae Variant Classification Sherloc (09022015). Collection method: clinical testing. Allele origin: germline.

Blueprint Genetics
Classification: Likely benign. Last evaluated: 2024-11-13. Review status: criteria provided, single submitter. Criteria: ACMG Guidelines, 2015. Collection method: clinical testing. Allele origin: germline.

ARUP Laboratories, Molecular Genetics and Genomics, ARUP Laboratories
Classification: Benign for Borjeson-Forssman-Lehmann syndrome. Last evaluated: 2024-06-28. Review status: criteria provided, single submitter. Criteria: ARUP Molecular Germline Variant Investigation Process 2024. Collection method: clinical testing. Allele origin: germline.

Ambry Genetics
Classification: Benign for Inborn genetic diseases. Last evaluated: 2016-07-11. Review status: criteria provided, single submitter. Criteria: Ambry Variant Classification Scheme 2023. Collection method: clinical testing. Allele origin: germline.

GeneDx
Classification: Benign. Last evaluated: 2015-03-03. Review status: criteria provided, single submitter. Criteria: GeneDx Variant Classification Process June 2021. Collection method: clinical testing. Allele origin: germline. Affected: yes.

Genetic Services Laboratory, University of Chicago
Classification: Uncertain significance. Last evaluated: 2013-02-14. Review status: criteria provided, single submitter. Criteria: ACMG Guidelines, 2007. Collection method: clinical testing. Allele origin: germline. Inheritance: X-linked inheritance.

PreventionGenetics, part of Exact Sciences
Classification: Benign for PHF6-related condition. Last evaluated: 2019-08-30. Review status: no assertion criteria provided. Collection method: clinical testing. Allele origin: germline. Not counted in ClinVar's aggregate classification.
Comment: This variant is classified as benign based on ACMG/AMP sequence variant interpretation guidelines (Richards et al. 2015 PMID: 25741868, with internal and published modifications).